The following is an entry in ClinVar:

NM_005188.4(CBL):c.1228-47del

Gene: CBL (Cbl proto-oncogene; plus strand). Cytogenetic location: 11q23.3.
Variant type: Deletion.
Coding change: c.1228-47del on transcript NM_005188.4 (MANE Select); 47 bases into the intron before coding-DNA position 1228, one base deleted (T; older notation c.1228-47delT).
Molecular consequence: intron variant.
Genome position (GRCh38, 1-based): chr11:119,278,463, T deleted; the last of 4 consecutive T bases (chr11:119,278,460-119,278,463); deleting any one gives the same sequence. VCF-style (leftmost placement, unchanged base first): chr11-119278459-AT-A. GRCh37 (hg19) VCF-style: chr11-119149169-AT-A.
Identifiers: ClinVar variation 5036706 (VCV005036706.1).

ClinVar aggregate classification (germline): Likely benign (1 of 4 stars; one submission).

Conditions:
Myeloproliferative neoplasm. Identifiers: Orphanet 98274, MedGen C1292778, MONDO:0020076.

Submission:

Dept of Medical Biology, Uskudar University
Classification: Likely benign for Myeloproliferative neoplasm. Last evaluated: 2026-09-16. Review status: criteria provided, single submitter. Criteria: Dept of Medical Biology Variant Classification. Collection method: research. Allele origin: germline. Affected: yes. Observed: 1 variant allele.
Comment: BS1: allele frequency 7.1e-03 in the East Asian population and 2.0e-04 overall in gnomAD v4.1. BP4: no predicted splicing effect (SpliceAI maximum delta score 0.00). The variant is a deletion within an intronic poly-T tract, normalised to c.1228-47del (chr11:119278459 AT>A, GRCh38). BS1 was applied at full strength where the gnomAD v4.1 grpmax filtering allele frequency exceeds 2.5e-04 (PMID:28518168) and at supporting strength where only the unfiltered population frequency does. Classified as likely benign under the ACMG/AMP 2015 guidelines (PMID:25741868). Detected in a retrospective series of 256 BCR::ABL1-negative and JAK2 V617F-negative patients referred for molecular investigation of a suspected myeloproliferative neoplasm (May 2007 to January 2015) and re-interpreted under the ACMG/AMP 2015 criteria.